The following is an entry in ClinVar:

NM_000256.3(MYBPC3):c.151G>T (p.Ala51Ser)

Gene: MYBPC3 (myosin binding protein C3; minus strand). Cytogenetic location: 11p11.2.
Variant type: single nucleotide variant.
Coding change: c.151G>T on transcript NM_000256.3 (MANE Select); coding-DNA position 151, G replaced by T.
Protein change: p.Ala51Ser; replaces alanine 51 with serine.
Molecular consequence: missense variant.
Genome position (GRCh38, 1-based): chr11:47,351,380, C>A on the plus strand (G>T on the coding strand, the complement: MYBPC3 is on the minus strand). VCF-style: chr11-47351380-C-A. GRCh37 (hg19) VCF-style: chr11-47372931-C-A.
Other names: p.A51S:GCC>TCC; c.151G>T, p.Ala51Ser (LRG_386t1); short protein forms A51S.
Identifiers: ClinVar variation 180988 (VCV000180988.19), dbSNP rs534282225, ClinGen allele CA010559.

ClinVar aggregate classification (germline): Conflicting classifications of pathogenicity. Review status: criteria provided, conflicting classifications (1 of 4 stars). 6 submissions from 6 submitters: Uncertain significance (4); Likely benign (2). Last evaluated 2025-07-28.

Conditions:
Cardiovascular phenotype. Identifiers: MedGen CN230736.
Cardiomyopathy (CMYO). Also called: Cardiomyopathies. Identifiers: Orphanet 167848, MedGen C0878544, MONDO:0004994, HP:0001638. Inheritance: Various modes of inheritance.
Hypertrophic cardiomyopathy. Also called: HYPERTROPHIC MYOCARDIOPATHY. Identifiers: Orphanet 217569, MedGen C0007194, MeSH D002312, MONDO:0005045, HP:0001639.

Allele frequency attached by ClinVar (database versions not stated): TOPMed 0.00002.
gnomAD v4.1: 10 of 1,608,494 alleles (0.00062%); highest among the groups gnomAD compares: Admixed American, 0.0034%; no homozygotes.

Submissions (6):

Ambry Genetics
Classification: Likely benign for Cardiovascular phenotype. Last evaluated: 2025-07-28. Review status: criteria provided, single submitter. Criteria: Ambry Variant Classification Scheme 2023. Collection method: clinical testing. Allele origin: germline.

Color Diagnostics, LLC DBA Color Health
Classification: Likely benign for Cardiomyopathy. Last evaluated: 2025-02-18. Review status: criteria provided, single submitter. Criteria: ACMG Guidelines, 2015. Collection method: clinical testing. Allele origin: germline.

All of Us Research Program, National Institutes of Health
Classification: Uncertain significance for Hypertrophic cardiomyopathy. Last evaluated: 2024-07-20. Review status: criteria provided, single submitter. Criteria: ACMG Guidelines, 2015. Collection method: clinical testing. Allele origin: germline. Inheritance: Autosomal dominant inheritance. Observed: 8 variant alleles, 8 heterozygotes.
Comment: This missense variant replaces alanine with serine at codon 51 of the MYBPC3 protein. Computational prediction suggests that this variant may not impact protein structure and function (internally defined REVEL score threshold <= 0.5, PMID: 27666373). To our knowledge, functional studies have not been reported for this variant. This variant has reported in an individual from a cohort of participants undergoing whole exome sequencing that were not pre-selected for a personal or family history of arrhythmia, cardiomyopathy or sudden cardiac death (PMID: 23861362); it has not been reported in individuals affected with MYBPC3-related disorders in the literature. This variant has been identified in 4/239086 chromosomes in the general population by the Genome Aggregation Database (gnomAD). The available evidence is insufficient to determine the role of this variant in disease conclusively. Therefore, this variant is classified as a Variant of Uncertain Significance.

This study involves interpretation of variants in research participants for the purpose of population health screening. Participant phenotype was not available at the time of variant classification. Additional details can be found in publication PMID: 35346344, PMCID: PMC8962531

Labcorp Genetics (formerly Invitae), Labcorp
Classification: Uncertain significance for Hypertrophic cardiomyopathy. Last evaluated: 2023-07-25. Review status: criteria provided, single submitter. Criteria: Invitae Variant Classification Sherloc (09022015). Collection method: clinical testing. Allele origin: germline.
Comment: In summary, the available evidence is currently insufficient to determine the role of this variant in disease. Therefore, it has been classified as a Variant of Uncertain Significance. An algorithm developed to predict the effect of missense changes on protein structure and function (PolyPhen-2) suggests that this variant¬†is likely to be tolerated. ClinVar contains an entry for this variant (Variation ID: 180988). This variant has not been reported in the literature in individuals affected with MYBPC3-related conditions. The frequency data for this variant in the population databases is considered unreliable, as metrics indicate poor data quality at this position in the gnomAD database. This sequence change replaces alanine, which is neutral and non-polar, with serine, which is neutral and polar, at codon 51 of the MYBPC3 protein (p.Ala51Ser).

GeneDx
Classification: Uncertain significance. Last evaluated: 2022-08-02. Review status: criteria provided, single submitter. Criteria: GeneDx Variant Classification Process June 2021. Collection method: clinical testing. Allele origin: germline. Affected: yes.
Comment: Not observed at significant frequency in large population cohorts (gnomAD); In silico analysis supports that this missense variant does not alter protein structure/function; Has not been previously published as pathogenic or benign to our knowledge

Biesecker Lab/Clinical Genomics Section, National Institutes of Health
Classification: Uncertain significance. Last evaluated: 2013-06-24. Review status: criteria provided, single submitter. Criteria: Ng et al. (Circ Cardiovasc Genet. 2013). Collection method: research. Allele origin: unknown. Observed: 1 variant allele. Study: ClinSeq.
Comment: The study set was not selected for affection status in relation to any cancer. Pathogenicity categories were based on literature curation. See Pubmed ID:23861362 for details.

Medical sequencing

Literature cited by the submitters: PubMed 23861362 (cited by All of Us Research Program, National Institutes of Health).